The following is an entry in ClinVar:

ClinVar aggregate classification (germline): Conflicting classifications of pathogenicity. Review status: criteria provided, conflicting classifications (1 of 4 stars). 12 submissions from 12 submitters: Uncertain significance (8); Likely benign (4). Last evaluated 2026-03-26.

Conditions:
BARD1-related disorder. Also called: BARD1-related condition.
Hereditary cancer-predisposing syndrome. Also called: Tumor predisposition; Neoplastic Syndromes, Hereditary; Hereditary neoplastic syndrome; Hereditary Cancer Syndrome. Identifiers: Orphanet 140162, MedGen C0027672, MeSH D009386, MONDO:0015356.
Familial cancer of breast. Also called: BREAST CANCER, FAMILIAL; Hereditary breast cancer; hereditary breast carcinoma. Identifiers: Orphanet 227535, MedGen C0346153, MONDO:0016419, OMIM 114480. Disease mechanism: loss of function.

Allele frequency attached by ClinVar (database versions not stated): gnomAD 0.00003 and 0.00004; gnomAD exomes 0.00004 and 0.00010; TOPMed 0.00005; ExAC 0.00006.
gnomAD v4.1: 71 of 1,612,110 alleles (0.0044%); highest among the groups gnomAD compares: Middle Eastern, 0.033%; no homozygotes.

Submissions (12):

PreventionGenetics, part of Exact Sciences
Classification: Uncertain significance for BARD1-related condition. Last evaluated: 2026-03-26. Review status: criteria provided, single submitter. Criteria: ACMG Guidelines, 2015. Collection method: clinical testing. Allele origin: germline.
Comment: The BARD1 c.160A>G variant is predicted to result in the amino acid substitution p.Thr54Ala. This variant has been reported in the literature in individuals with breast cancer and in controls and in individuals with ovarian cancer (Breast Cancer Association Consortium et al. 2021. PubMed ID: 33471991; de Oliveira et al. 2022. PubMed ID: 35534704; Guindalini et al. 2022. PubMed ID: 35264596; Table S4, Bhai et al. 2021. PubMed ID: 34326862). This variant is reported in 0.016% of alleles in individuals of European (Non-Finnish) descent in gnomAD and has conflicting interpretations in ClinVar regarding its pathogenicity including likely benign and uncertain (Variation ID: 140974). At this time, the clinical significance of this variant is uncertain due to the absence of conclusive functional and genetic evidence.

Labcorp Genetics (formerly Invitae), Labcorp
Classification: Uncertain significance for Familial cancer of breast. Last evaluated: 2025-12-17. Review status: criteria provided, single submitter. Criteria: Invitae Variant Classification Sherloc (09022015). Collection method: clinical testing. Allele origin: germline.
Comment: This sequence change replaces threonine, which is neutral and polar, with alanine, which is neutral and non-polar, at codon 54 of the BARD1 protein (p.Thr54Ala). This variant is present in population databases (rs200254470, gnomAD 0.02%). This missense change has been observed in individual(s) with breast cancer and/or ovarian cancer (PMID: 20030863, 34326862, 35264596, 35534704). ClinVar contains an entry for this variant (Variation ID: 140974). An algorithm developed to predict the effect of missense changes on protein structure and function outputs the following: PolyPhen-2: "Benign". The alanine amino acid residue is found in multiple mammalian species, which suggests that this missense change does not adversely affect protein function. Experimental studies have shown that this missense change does not substantially affect BARD1 function (PMID: 26350354). In summary, the available evidence is currently insufficient to determine the role of this variant in disease. Therefore, it has been classified as a Variant of Uncertain Significance.

GeneDx
Classification: Uncertain significance. Last evaluated: 2025-06-06. Review status: criteria provided, single submitter. Criteria: GeneDx Variant Classification Process June 2021. Collection method: clinical testing. Allele origin: germline. Affected: yes.
Comment: In silico analysis suggests that this missense variant does not alter protein structure/function; Published functional studies demonstrate homology-directed repair activity comparable to wild type (PMID: 26350354); Observed in individuals with breast or ovarian cancer, and also in unaffected controls (PMID: 34326862, 33471991, 35264596, 35534704); This variant is associated with the following publications: (PMID: 20030863, 36243179, 18480049, 35264596, 31159747, 33471991, 26350354, 34326862, 35534704)

Center for Genomic Medicine, Rigshospitalet, Copenhagen University Hospital
Classification: Uncertain significance. Last evaluated: 2025-03-04. Review status: criteria provided, single submitter. Criteria: ACMG Guidelines, 2015. Collection method: clinical testing. Allele origin: germline.

Quest Diagnostics Nichols Institute San Juan Capistrano
Classification: Uncertain significance. Last evaluated: 2025-02-14. Review status: criteria provided, single submitter. Criteria: Quest Diagnostics criteria. Collection method: clinical testing. Allele origin: unknown.
Comment: The BARD1 c.160A>G (p.Thr54Ala) variant has been reported in the published literature in individuals with breast cancer (PMID: 35264596 (2022), 35534704 (2022), 33471991 (2021), see also LOVD) and ovarian cancer (PMID: 34326862 (2021)). This variant has also been identified in reportedly healthy individuals (PMID: 36243179 (2022), 33471991 (2021), see also LOVD). Assessment of experimental evidence regarding the effect of this variant on protein function suggests it has no effect relevant to disease (PMID: 26350354 (2015)). The frequency of this variant in the general population (Genome Aggregation Database) is uninformative in the assessment of its pathogenicity. Analysis of this variant using bioinformatics tools for the prediction of the effect of amino acid changes on protein structure and function yielded predictions that this variant is benign. Based on the available information, we are unable to determine the clinical significance of this variant.

Color Diagnostics, LLC DBA Color Health
Classification: Likely benign for Hereditary cancer-predisposing syndrome. Last evaluated: 2024-09-19. Review status: criteria provided, single submitter. Criteria: ACMG Guidelines, 2015. Collection method: clinical testing. Allele origin: germline.

Blueprint Genetics
Classification: Likely benign. Last evaluated: 2024-08-30. Review status: criteria provided, single submitter. Criteria: ACMG Guidelines, 2015. Collection method: clinical testing. Allele origin: germline.

Myriad Genetics, Inc.
Classification: Likely benign for Familial cancer of breast. Last evaluated: 2024-07-18. Review status: criteria provided, single submitter. Criteria: Myriad Autosomal Dominant, Autosomal Recessive and X-Linked Classification Criteria (2023). Collection method: clinical testing. Allele origin: unknown.
Comment: This variant is considered likely benign. This variant is strongly associated with less severe personal and family histories of cancer, typical for individuals without pathogenic variants in this gene [PMID: 25085752].

Sema4
Classification: Uncertain significance for Hereditary cancer-predisposing syndrome. Last evaluated: 2021-09-09. Review status: criteria provided, single submitter. Criteria: Sema4 Curation Guidelines. Collection method: curation. Allele origin: germline.
Comment: The BARD1 c.160A>G (p.T54A) variant has been reported in several individuals with a personal and/or family history of breast cancer (PMID: 33471991, 31159747), but has also been reported in healthy controls (PMID: 33471991). It was observed in 18/113472 chromosomes of the Non-Finnish European subpopulation, with no homozygotes, in the large and broad cohorts of the Genome Aggregation Database (PMID: 32461654). The variant has been reported in ClinVar (Variation ID: 140974). A homology-directed repair (HDR) assay showed this variant has HRD activity levels similar to wildtype (PMID: 26350354). In silico predictions of the variant's effect on protein function are inconclusive. The evidence is insufficient to meet ACMG/AMP criteria for classifying the variant as benign or pathogenic. Thus, the clinical significance of this variant is currently uncertain.

Ambry Genetics
Classification: Likely benign for Hereditary cancer-predisposing syndrome. Last evaluated: 2018-11-16. Review status: criteria provided, single submitter. Criteria: Ambry Variant Classification Scheme 2023. Collection method: clinical testing. Allele origin: germline.

GeneKor MSA
Classification: Uncertain significance for Hereditary cancer-predisposing syndrome. Last evaluated: 2018-08-01. Review status: criteria provided, single submitter. Criteria: ACMG Guidelines, 2015. Collection method: clinical testing. Allele origin: germline.

Mendelics
Classification: Uncertain significance for Familial cancer of breast. Last evaluated: 2018-07-02. Review status: criteria provided, single submitter. Criteria: Mendelics Assertion Criteria 2017. Collection method: clinical testing. Allele origin: unknown.

Literature cited by the submitters: PubMed 20030863 (cited by Labcorp Genetics (formerly Invitae), Labcorp); PubMed 34326862 (cited by Labcorp Genetics (formerly Invitae), Labcorp and Quest Diagnostics Nichols Institute San Juan Capistrano); PubMed 35264596 (cited by Labcorp Genetics (formerly Invitae), Labcorp and Quest Diagnostics Nichols Institute San Juan Capistrano); PubMed 35534704 (cited by Labcorp Genetics (formerly Invitae), Labcorp and Quest Diagnostics Nichols Institute San Juan Capistrano); PubMed 26350354 (cited by 4 submitters); PubMed 31159747 (cited by Quest Diagnostics Nichols Institute San Juan Capistrano and Sema4); PubMed 36243179 (cited by Quest Diagnostics Nichols Institute San Juan Capistrano); PubMed 33471991 (cited by Quest Diagnostics Nichols Institute San Juan Capistrano and Sema4); PubMed 25085752 (cited by Myriad Genetics, Inc.).

NM_000465.4(BARD1):c.160A>G (p.Thr54Ala)

Gene: BARD1 (BRCA1 associated RING domain 1; minus strand). Cytogenetic location: 2q35.
Variant type: single nucleotide variant.
Coding change: c.160A>G on transcript NM_000465.4 (MANE Select); coding-DNA position 160, A replaced by G.
Protein change: p.Thr54Ala; replaces threonine 54 with alanine.
Molecular consequence: missense variant. On other transcripts: non-coding transcript variant (2), intron variant (2).
Genome position (GRCh38, 1-based): chr2:214,797,116, T>C on the plus strand (A>G on the coding strand, the complement: BARD1 is on the minus strand). VCF-style: chr2-214797116-T-C. GRCh37 (hg19) VCF-style: chr2-215661840-T-C.
Other names: c.160A>G, p.Thr54Ala (NM_001282545.2, NM_001282549.2); c.158+12296A>G (NM_001282548.2); c.159-4671A>G (NM_001282543.2); short protein forms T54A.
Identifiers: ClinVar variation 140974 (VCV000140974.36), dbSNP rs200254470, ClinGen allele CA164088.
Genomic context (GRCh38, chr2:214,797,116, plus strand): 5'-CTTACCTACAGAAGATGTGCTCACATCCTCCTAAACACACAGGCTCTCTCAGAATGTTAG[T>C]ACTGTTTGAAGAAATTAAAACAATCAAGATTTGAGTCATTGTTAGATAAACATCTCACAC-3'
Protein context (NP_000456.2, residues 44-64): LEKLLRCSRC[Thr54Ala]NILREPVCLG